The following is an entry in ClinVar:

ClinVar aggregate classification (germline): Conflicting classifications of pathogenicity. Review status: criteria provided, conflicting classifications (1 of 4 stars). 2 submissions from 2 submitters: Likely pathogenic (1); Uncertain significance (1). Last evaluated 2023-06-27.

Conditions:
Hypokalemic periodic paralysis, type 1. Also called: HypoPP; Hypokalemic Periodic Paralysis Type 1 (AD). Identifiers: Orphanet 681, MedGen C3714580, MONDO:0042979, OMIM 170400.
Malignant hyperthermia, susceptibility to, 5 (MHS5). Also called: CACNA1S-Related Malignant Hyperthermia Susceptibility. Identifiers: Orphanet 423, MedGen C1866077, MONDO:0011163, OMIM 601887.

gnomAD v4.1: 1 of 1,613,146 alleles (0.000062%); no homozygotes.

Submissions (2):

Baylor Genetics
Classification: Uncertain significance for Hypokalemic periodic paralysis, type 1. Last evaluated: 2023-06-27. Review status: criteria provided, single submitter. Criteria: ACMG Guidelines, 2015. Collection method: clinical testing. Allele origin: unknown. Study: Adult_WES.

Labcorp Genetics (formerly Invitae), Labcorp
Classification: Likely pathogenic for Hypokalemic periodic paralysis, type 1; Malignant hyperthermia, susceptibility to, 5. Last evaluated: 2022-06-20. Review status: criteria provided, single submitter. Criteria: Invitae Variant Classification Sherloc (09022015). Collection method: clinical testing. Allele origin: germline.
Comment: This sequence change affects an acceptor splice site in intron 27 of the CACNA1S gene. It is expected to disrupt RNA splicing. Variants that disrupt the donor or acceptor splice site typically lead to a loss of protein function (PMID: 16199547), and loss-of-function variants in CACNA1S are known to be pathogenic (PMID: 26247046, 28012042). This variant is not present in population databases (gnomAD no frequency). Disruption of this splice site has been observed in individual(s) with clinical features of hypokalemic periodic paralysis (PMID: 26633545). ClinVar contains an entry for this variant (Variation ID: 209137). Algorithms developed to predict the effect of sequence changes on RNA splicing suggest that this variant may disrupt the consensus splice site. In summary, the currently available evidence indicates that the variant is pathogenic, but additional data are needed to prove that conclusively. Therefore, this variant has been classified as Likely Pathogenic.

Literature cited by the submitters: PubMed 26633545 (cited by Baylor Genetics and Labcorp Genetics (formerly Invitae), Labcorp); PubMed 16199547 (cited by Labcorp Genetics (formerly Invitae), Labcorp); PubMed 26247046 (cited by Labcorp Genetics (formerly Invitae), Labcorp); PubMed 28012042 (cited by Labcorp Genetics (formerly Invitae), Labcorp).

NM_000069.3(CACNA1S):c.3526-2A>G

Gene: CACNA1S (calcium voltage-gated channel subunit alpha1 S; minus strand). Cytogenetic location: 1q32.1.
Variant type: single nucleotide variant.
Coding change: c.3526-2A>G on transcript NM_000069.3 (MANE Select); the canonical splice acceptor site of the intron before coding-DNA position 3526, A replaced by G.
Molecular consequence: splice acceptor variant.
Genome position (GRCh38, 1-based): chr1:201,058,493, T>C on the plus strand (A>G on the coding strand, the complement: CACNA1S is on the minus strand). VCF-style: chr1-201058493-T-C. GRCh37 (hg19) VCF-style: chr1-201027621-T-C.
Identifiers: ClinVar variation 209137 (VCV000209137.10), dbSNP rs797045031, ClinGen allele CA276128.